The following is an entry in ClinVar:

NM_000465.4(BARD1):c.924_925insTTTTTTTTTTTTTTTTTTTTNNNNNNNNNNGCTCACTGCAACCTCTGCCTCCCAGGTTGAAGCGATTTTCCTGCCTCAGCCTCAGCCTCCTGAGTAGCTGGGCTGCAAAAATTATCTT (p.Thr309delinsPhePhePhePhePhePheXaaXaaXaaXaaAlaHisCysAsnLeuCysLeuProGlyTer)

Gene: BARD1 (BRCA1 associated RING domain 1; minus strand). Cytogenetic location: 2q35.
Variant type: Insertion.
Coding change: c.924_925insTTTTTTTTTTTTTTTTTTTTNNNNNNNNNNGCTCACTGCAACCTCTGCCTCCCAGGTTGAAGCGATTTTCCTGCCTCAGCCTCAGCCTCCTGAGTAGCTGGGCTGCAAAAATTATCTT on transcript NM_000465.4 (MANE Select); coding-DNA positions 924 to 925, TTTTTTTTTTTTTTTTTTTTNNNNNNNNNNGCTCACTGCAACCTCTGCCTCCCAGGTTGAAGCGATTTTCCTGCCTCAGCCTCAGCCTCCTGAGTAGCTGGGCTGCAAAAATTATCTT inserted.
Protein change: p.Thr309delinsPhePhePhePhePhePheXaaXaaXaaXaaAlaHisCysAsnLeuCysLeuProGlyTer.
Molecular consequence: nonsense. On other transcripts: non-coding transcript variant (2), intron variant (3).
Genome position: GRCh38: chr2:214,780,965-214,780,966. GRCh37 (hg19): chr2:215,645,689-215,645,690.
Other names: c.867_868insTTTTTTTTTTTTTTTTTTTTNNNNNNNNNNGCTCACTGCAACCTCTGCCTCCCAGGTTGAAGCGATTTTCCTGCCTCAGCCTCAGCCTCCTGAGTAGCTGGGCTGCAAAAATTATCTT, p.Thr290delinsPhePhePhePhePhePheXaaXaaXaaXaaAlaHisCysAsnLeuCysLeuProGlyTer (NM_001282543.2); c.159-28395_159-28394insCTGCAAAAATTATCTTTTTTTTTTTTTTTTTTTTTTNNNNNNNNNNGCTCACTGCAACCTCTGCCTCCCAGGTTGAAGCGATTTTCCTGCCTCAGCCTCAGCCTCCTGAGTAGCTGGG (NM_001282548.2); c.215+16111_215+16112insCTGCAAAAATTATCTTTTTTTTTTTTTTTTTTTTTTNNNNNNNNNNGCTCACTGCAACCTCTGCCTCCCAGGTTGAAGCGATTTTCCTGCCTCAGCCTCAGCCTCCTGAGTAGCTGGG (NM_001282545.2); c.364+11347_364+11348insCTGCAAAAATTATCTTTTTTTTTTTTTTTTTTTTTTNNNNNNNNNNGCTCACTGCAACCTCTGCCTCCCAGGTTGAAGCGATTTTCCTGCCTCAGCCTCAGCCTCCTGAGTAGCTGGG (NM_001282549.2).
Identifiers: ClinVar variation 3645515 (VCV003645515.2).

ClinVar aggregate classification (germline): Pathogenic (1 of 4 stars; one submission).

Conditions:
Familial cancer of breast. Also called: hereditary breast carcinoma; BREAST CANCER, FAMILIAL; Hereditary breast cancer. Identifiers: Orphanet 227535, MedGen C0346153, MONDO:0016419, OMIM 114480. Disease mechanism: loss of function.

Submission:

Labcorp Genetics (formerly Invitae), Labcorp
Classification: Pathogenic for Familial cancer of breast. Last evaluated: 2024-07-08. Review status: criteria provided, single submitter. Criteria: Invitae Variant Classification Sherloc (09022015). Collection method: clinical testing. Allele origin: germline.
Comment: This sequence change inserts a large fragment of DNA, likely a transposable element, in exon 4 of the BARD1 gene (c.924_925ins?), causing a frameshift at codon 309 (p.Thr309fs). The exact size and sequence of the insertion cannot be determined by the current assay. However, the insertion is expected to result in an absent or disrupted protein product. This variant is not present in population databases (gnomAD no frequency). This variant has not been reported in the literature in individuals affected with BARD1-related conditions. Retrotransposon insertions including LINE1 (L1), Alu, and SVA (SINE-VNTR-Alu) have been reported to be disease-causing through disruption of either a coding region or splice site (PMID: 19763152, 20307669, 22406018) and loss-of-function variants in BARD1 are known to be pathogenic (PMID: 20077502, 21344236). For these reasons, this variant has been classified as Pathogenic.

Literature cited by the submitters: PubMed 19763152; PubMed 20307669; PubMed 22406018; PubMed 20077502; PubMed 21344236.